The following is an entry in ClinVar:

ClinVar aggregate classification (germline): Uncertain significance (1 of 4 stars; one submission).

Conditions:
STING-associated vasculopathy with onset in infancy. Also called: Sting-associated vasculopathy, infantile-onset. Identifiers: Orphanet 425120, MedGen C4014722, MONDO:0014405, OMIM 615934.

Submission:

Labcorp Genetics (formerly Invitae), Labcorp
Classification: Uncertain significance for STING-associated vasculopathy with onset in infancy. Last evaluated: 2025-03-28. Review status: criteria provided, single submitter. Criteria: Invitae Variant Classification Sherloc (09022015). Collection method: clinical testing. Allele origin: germline.
Comment: This sequence change replaces glycine, which is neutral and non-polar, with arginine, which is basic and polar, at codon 166 of the TMEM173 protein (p.Gly166Arg). This variant is present in population databases (no rsID available, gnomAD 0.003%). This variant has not been reported in the literature in individuals affected with TMEM173-related conditions. Invitae Evidence Modeling of protein sequence and biophysical properties (such as structural, functional, and spatial information, amino acid conservation, physicochemical variation, residue mobility, and thermodynamic stability) indicates that this missense variant is expected to disrupt TMEM173 protein function with a positive predictive value of 80%. Algorithms developed to predict the effect of sequence changes on RNA splicing suggest that this variant may disrupt the consensus splice site. In summary, the available evidence is currently insufficient to determine the role of this variant in disease. Therefore, it has been classified as a Variant of Uncertain Significance.

NM_198282.4(STING1):c.496G>A (p.Gly166Arg)

Gene: STING1 (stimulator of interferon response cGAMP interactor 1; minus strand). Cytogenetic location: 5q31.2.
Variant type: single nucleotide variant.
Coding change: c.496G>A on transcript NM_198282.4 (MANE Select); coding-DNA position 496, G replaced by A.
Protein change: p.Gly166Arg; replaces glycine 166 with arginine.
Molecular consequence: missense variant.
Genome position (GRCh38, 1-based): chr5:139,480,814, C>T on the plus strand (G>A on the coding strand, the complement: STING1 is on the minus strand). VCF-style: chr5-139480814-C-T. GRCh37 (hg19) VCF-style: chr5-138860399-C-T.
Other names: c.496G>A, p.Gly166Arg (NM_001301738.2); c.139G>A, p.Gly47Arg (NM_001367258.1); short protein forms G166R, G47R.
Identifiers: ClinVar variation 4767143 (VCV004767143.1).